The following is an entry in ClinVar:

NM_006892.4(DNMT3B):c.1275CAA[2] (p.Asn427del)

Gene: DNMT3B (DNA methyltransferase 3 beta; plus strand). Cytogenetic location: 20q11.21.
Variant type: Microsatellite.
Coding change: c.1275CAA[2] on transcript NM_006892.4 (MANE Select); two copies in a row of the 3-base unit CAA starting at c.1275; the reference has three copies in a row; one copy, 3 bases deleted.
Protein change: p.Asn427del; deletes asparagine 427.
Molecular consequence: inframe deletion.
Genome position (GRCh38, 1-based): chr20:32,795,678-32,795,680, CAA deleted; deleting any 3 consecutive bases within chr20:32,795,672-32,795,680 gives the same sequence; the position shown is the placement nearest the transcript's 3' end. VCF-style (leftmost placement, unchanged base first): chr20-32795671-CCAA-C. GRCh37 (hg19) VCF-style: chr20-31383477-CCAA-C.
Other names: c.1089CAA[2], p.Asn365del (NM_001207055.2); c.987CAA[2], p.Asn331del (NM_001207056.2); c.1215CAA[2], p.Asn407del (NM_175848.2, NM_175849.2); c.1251CAA[2], p.Asn419del (NM_175850.3); short protein forms N427del, N331del, N407del, N365del, N419del.
Identifiers: ClinVar variation 1432521 (VCV001432521.5), dbSNP rs752142241, ClinGen allele CA9810499.
Genomic context (GRCh38, chr20:32,795,671, plus strand): 5'-TCCCTGACCTCATCTCATGCCTTCTTCTTTTCTCAATAGAACAAATGGCTTCAGATGTTG[CCAA>C]CAACAAGAGCAGCCTGGAAGGTAACGTTCTCTCCCTCCCAGTCATCCCCCTCACACCCTG-3'

ClinVar aggregate classification (germline): Uncertain significance (1 of 4 stars; one submission).

Conditions:
Centromeric instability of chromosomes 1,9 and 16 and immunodeficiency (ICF1). Also called: CENTROMERIC INSTABILITY, IMMUNODEFICIENCY SYNDROME; Immunodeficiency-centromeric instability-facial anomalies; IMMUNE DEFICIENCY, VARIABLE, WITH CENTROMERIC INSTABILITY OF CHROMOSOMES 1, 9, AND 16; IMMUNODEFICIENCY SYNDROME, VARIABLE. Identifiers: Orphanet 2268, MedGen C0398788, MONDO:0000133.

Submission:

Labcorp Genetics (formerly Invitae), Labcorp
Classification: Uncertain significance for Centromeric instability of chromosomes 1,9 and 16 and immunodeficiency. Last evaluated: 2021-09-24. Review status: criteria provided, single submitter. Criteria: Invitae Variant Classification Sherloc (09022015). Collection method: clinical testing. Allele origin: germline.
Comment: This variant, c.1281_1283del, results in the deletion of 1 amino acid(s) of the DNMT3B protein (p.Asn427del), but otherwise preserves the integrity of the reading frame. The frequency data for this variant in the population databases is considered unreliable, as metrics indicate poor data quality at this position in the ExAC database. This variant has not been reported in the literature in individuals with DNMT3B-related conditions. Experimental studies and prediction algorithms are not available or were not evaluated, and the functional significance of this variant is currently unknown. In summary, the available evidence is currently insufficient to determine the role of this variant in disease. Therefore, it has been classified as a Variant of Uncertain Significance.